The following is an entry in ClinVar:

NM_006757.4(TNNT3):c.480+8C>T

Gene: TNNT3 (troponin T3, fast skeletal type; plus strand). Cytogenetic location: 11p15.5.
Variant type: single nucleotide variant.
Coding change: c.480+8C>T on transcript NM_006757.4 (MANE Select); 8 bases into the intron after coding-DNA position 480, C replaced by T.
Molecular consequence: intron variant.
Genome position (GRCh38, 1-based): chr11:1,934,453, C>T. VCF-style: chr11-1934453-C-T. GRCh37 (hg19) VCF-style: chr11-1955683-C-T.
Other names: c.456+8C>T (NM_001297646.2, NM_001042780.3, NM_001042782.3 and 2 more transcripts); c.513+8C>T (NM_001367846.1); c.489+8C>T (NM_001363561.2, NM_001367847.1); c.474+8C>T (NM_001042781.3, NM_001367843.1, NM_001367842.1); c.477+8C>T (NM_001367848.1); c.423+8C>T (NM_001367850.1); c.276+8C>T (NM_001367851.1, NM_001367852.1); c.468+8C>T (NM_001367849.1).
Identifiers: ClinVar variation 1034306 (VCV001034306.1), dbSNP rs370243709, ClinGen allele CA216210082.
Genomic context (GRCh38, chr11:1,934,453, plus strand): 5'-AGAAGAAAGCTCTGTCTTCCATGGGAGCCAACTACAGCAGCTACCTGGCCAAGGTGTGTG[C>T]CGCTGCTGGGAGCACGGTGGTAGCCTTCAGTGTGGGCTACGCCCTGTGCCCTCCTGAGAC-3'

ClinVar aggregate classification (germline): Uncertain significance (1 of 4 stars; one submission).

Conditions:
Distal arthrogryposis type 2B1 (DA2B1). Also called: Arthrogryposis multiplex congenita distal type II with craniofacial abnormalities. Identifiers: Orphanet 1147, MedGen C5193014, MONDO:0020820, OMIM 601680.

Allele frequency attached by ClinVar (database versions not stated): gnomAD 0.00001; TOPMed 0.00001; ESP Exome Variant Server 0.00008.
gnomAD v4.1: 1 of 1,612,564 alleles (0.000062%); highest among the groups gnomAD compares: Non-Finnish European, 0.000085%; no homozygotes.

Submission:

Baylor Genetics
Classification: Uncertain significance for Distal arthrogryposis type 2B1. Last evaluated: 2018-01-24. Review status: criteria provided, single submitter. Criteria: ACMG Guidelines, 2015. Collection method: clinical testing. Allele origin: unknown. Affected: yes.
Comment: This variant was determined to be of uncertain significance according to ACMG Guidelines, 2015 [PMID:25741868].